The following is an entry in ClinVar:

ClinVar aggregate classification (germline): Likely pathogenic (1 of 4 stars; one submission).

Conditions:
Autosomal recessive limb-girdle muscular dystrophy type 2J (LGMDR10). Also called: Limb-girdle muscular dystrophy, type 2J; MUSCULAR DYSTROPHY, LIMB-GIRDLE, AUTOSOMAL RECESSIVE 10. Identifiers: Orphanet 140922, MedGen C1837342, MONDO:0012127, OMIM 608807.
Dilated cardiomyopathy 1G (CMD1G). Identifiers: Orphanet 154, MedGen C1858763, MONDO:0011400, OMIM 604145.

Submission:

Labcorp Genetics (formerly Invitae), Labcorp
Classification: Likely pathogenic for Dilated cardiomyopathy 1G; Autosomal recessive limb-girdle muscular dystrophy type 2J. Last evaluated: 2025-08-03. Review status: criteria provided, single submitter. Criteria: Invitae Variant Classification Sherloc (09022015). Collection method: clinical testing. Allele origin: germline.
Comment: This sequence change creates a premature translational stop signal (p.Ile33481Tyrfs*22) in the TTN gene. While this is not anticipated to result in nonsense mediated decay, it is expected to create a truncated TTN protein. This variant is not present in population databases (gnomAD no frequency). This variant has not been reported in the literature in individuals affected with TTN-related conditions. This variant is located in the A band of TTN (PMID: 25589632). Truncating variants in this region are significantly overrepresented in patients affected with dilated cardiomyopathy (PMID: 25589632). Truncating variants in this region have also been reported in individuals affected with autosomal recessive centronuclear myopathy (PMID: 23975875). In summary, the currently available evidence indicates that the variant is pathogenic, but additional data are needed to prove that conclusively. Therefore, this variant has been classified as Likely Pathogenic.

Literature cited by the submitters: PubMed 25589632; PubMed 23975875.

NM_001267550.2(TTN):c.100441del (p.Ile33481fs)

Genes: TTN-AS1 (TTN antisense RNA 1; plus strand), TTN (titin; minus strand). Cytogenetic location: 2q31.2.
Variant type: Deletion.
Coding change: c.100441del on transcript NM_001267550.2 (MANE Select); coding-DNA position 100441, one base deleted (A; older notation c.100441delA).
Protein change: p.Ile33481fs; shifts the reading frame from isoleucine 33481.
Molecular consequence: frameshift variant.
Genome position (GRCh38, 1-based): chr2:178,536,306, T deleted on the plus strand (A on the coding strand, the reverse complement: TTN is on the minus strand); the first of 3 consecutive T bases (chr2:178,536,306-178,536,308); deleting any one gives the same sequence. VCF-style (leftmost placement, unchanged base first): chr2-178536305-AT-A. GRCh37 (hg19) VCF-style: chr2-179401032-AT-A.
Other names: c.95518del, p.Ile31840fs (NM_001256850.1); c.73246del, p.Ile24416fs (NM_003319.4); c.92737del, p.Ile30913fs (NM_133378.4); c.73621del, p.Ile24541fs (NM_133432.3); c.73822del, p.Ile24608fs (NM_133437.4); short protein forms I31840fs, I24541fs, I30913fs, I33481fs, I24416fs, I24608fs.
Identifiers: ClinVar variation 4785770 (VCV004785770.1).
Genomic context (GRCh38, chr2:178,536,305, plus strand): 5'-TCCTCTTTAAAGTGTGGTGCCTGAATTGGGACATCAGATTTGGGAGTGATGGGTTCTGAT[AT>A]TTCACTCCATTCACTTTCCCCACCTAGATTTTCACATTTCACACGAAACTCGTATTCAAG-3'